The following is an entry in ClinVar:

ClinVar aggregate classification (germline): Likely pathogenic (1 of 4 stars; one submission).

Allele frequency attached by ClinVar (database versions not stated): ExAC 0.00001.
gnomAD v4.1: 10 of 1,603,448 alleles (0.00062%); highest among the groups gnomAD compares: African/African-American, 0.0013%; no homozygotes.

Submission:

Labcorp Genetics (formerly Invitae), Labcorp
Classification: Likely pathogenic. Last evaluated: 2023-07-17. Review status: criteria provided, single submitter. Criteria: Invitae Variant Classification Sherloc (09022015). Collection method: clinical testing. Allele origin: germline.
Comment: In summary, the currently available evidence indicates that the variant is pathogenic, but additional data are needed to prove that conclusively. Therefore, this variant has been classified as Likely Pathogenic. Algorithms developed to predict the effect of sequence changes on RNA splicing suggest that this variant may disrupt the consensus splice site. This variant has not been reported in the literature in individuals affected with UBR1-related conditions. The frequency data for this variant in the population databases is considered unreliable, as metrics indicate poor data quality at this position in the gnomAD database. This sequence change affects a donor splice site in intron 34 of the UBR1 gene. It is expected to disrupt RNA splicing. Variants that disrupt the donor or acceptor splice site typically lead to a loss of protein function (PMID: 16199547), and loss-of-function variants in UBR1 are known to be pathogenic (PMID: 24599544).

Literature cited by the submitters: PubMed 16199547; PubMed 24599544.

NM_174916.3(UBR1):c.3848+1G>A

Gene: UBR1 (ubiquitin protein ligase E3 component n-recognin 1; minus strand). Cytogenetic location: 15q15.2.
Variant type: single nucleotide variant.
Coding change: c.3848+1G>A on transcript NM_174916.3 (MANE Select); the canonical splice donor site of the intron after coding-DNA position 3848, G replaced by A.
Molecular consequence: splice donor variant.
Genome position (GRCh38, 1-based): chr15:42,990,029, C>T on the plus strand (G>A on the coding strand, the complement: UBR1 is on the minus strand). VCF-style: chr15-42990029-C-T. GRCh37 (hg19) VCF-style: chr15-43282227-C-T.
Identifiers: ClinVar variation 2981888 (VCV002981888.3), dbSNP rs758623165, ClinGen allele CA7518075.